The following is an entry in ClinVar:

NM_000218.3(KCNQ1):c.1831G>T (p.Asp611Tyr)

Genes: KCNQ1 (potassium voltage-gated channel subfamily Q member 1; plus strand), KCNQ1-AS1 (KCNQ1 antisense RNA 1; minus strand). Cytogenetic location: 11p15.4.
Variant type: single nucleotide variant.
Coding change: c.1831G>T on transcript NM_000218.3 (MANE Select); coding-DNA position 1831, G replaced by T.
Protein change: p.Asp611Tyr; replaces aspartic acid 611 with tyrosine.
Molecular consequence: missense variant.
Genome position (GRCh38, 1-based): chr11:2,847,803, G>T. VCF-style: chr11-2847803-G-T. GRCh37 (hg19) VCF-style: chr11-2869033-G-T.
Other names: c.1831G>T (LRG_287t1); c.1735G>T, p.Asp579Tyr (NM_001406836.1); c.1561G>T, p.Asp521Tyr (NM_001406837.1); c.1291G>T, p.Asp431Tyr (NM_001406838.1); c.343G>T, p.Asp115Tyr (NM_001406839.1); c.1450G>T, p.Asp484Tyr (NM_181798.2); short protein forms D611Y, D484Y, D521Y, D431Y, D115Y, D579Y.
Identifiers: ClinVar variation 67060 (VCV000067060.9), dbSNP rs147445322, ClinGen allele CA006483.

ClinVar aggregate classification (germline): Conflicting classifications of pathogenicity. Review status: criteria provided, conflicting classifications (1 of 4 stars). 3 submissions from 3 submitters: Likely pathogenic (1); Uncertain significance (1). 1 of the submissions does not count toward it. Last evaluated 2023-10-04.

Conditions:
Familial long QT syndrome (RWS). Also called: Congenital long QT syndrome; Romano-Ward syndrome; VENTRICULAR FIBRILLATION WITH PROLONGED QT INTERVAL. Identifiers: Orphanet 768, MedGen C1141890, MONDO:0019171.
Long QT syndrome (LQTS). Identifiers: MedGen C0023976, MeSH D008133, MONDO:0002442. Disease mechanism: loss of function. Inheritance: Various modes of inheritance.

gnomAD v4.1: 12 of 1,571,356 alleles (0.00076%); highest among the groups gnomAD compares: East Asian, 0.028%; no homozygotes.

Submissions (3):

Labcorp Genetics (formerly Invitae), Labcorp
Classification: Likely pathogenic for Long QT syndrome. Last evaluated: 2023-10-04. Review status: criteria provided, single submitter. Criteria: Invitae Variant Classification Sherloc (09022015). Collection method: clinical testing. Allele origin: germline.
Comment: This sequence change replaces aspartic acid, which is acidic and polar, with tyrosine, which is neutral and polar, at codon 611 of the KCNQ1 protein (p.Asp611Tyr). The frequency data for this variant in the population databases is considered unreliable, as metrics indicate poor data quality at this position in the gnomAD database. This missense change has been observed in individuals with left ventricular noncompaction cardiomyopathy and/or long QT syndrome (PMID: 12808265, 15500450, 19996378, 22354620, 32600061, 33309763). It has also been observed to segregate with disease in related individuals. ClinVar contains an entry for this variant (Variation ID: 67060). Advanced modeling of protein sequence and biophysical properties (such as structural, functional, and spatial information, amino acid conservation, physicochemical variation, residue mobility, and thermodynamic stability) has been performed at Invitae for this missense variant, however the output from this modeling did not meet the statistical confidence thresholds required to predict the impact of this variant on KCNQ1 protein function. Experimental studies have shown that this missense change does not substantially affect KCNQ1 function (PMID: 15500450, 21451124). In summary, the currently available evidence indicates that the variant is pathogenic, but additional data are needed to prove that conclusively. Therefore, this variant has been classified as Likely Pathogenic.

All of Us Research Program, National Institutes of Health
Classification: Uncertain significance for Long QT syndrome. Last evaluated: 2023-03-04. Review status: criteria provided, single submitter. Criteria: ACMG Guidelines, 2015. Collection method: clinical testing. Allele origin: germline. Inheritance: Autosomal dominant inheritance. Observed: 1 variant allele, 1 heterozygote.
Comment: This study involves interpretation of variants in research participants for the purpose of population health screening. Participant phenotype was not available at the time of variant classification. Additional details can be found in publication PMID: 35346344, PMCID: PMC8962531

Cardiovascular Biomedical Research Unit, Royal Brompton & Harefield NHS Foundation Trust
No classification provided. Condition: Familial long QT syndrome. Review status: no classification provided. Collection method: literature only. Allele origin: germline. Not counted in ClinVar's aggregate classification.
Comment: This variant has been reported as associated with Long QT syndrome in the following publications (PMID:12808265;PMID:15500450;PMID:15234419;PMID:17470695). This is a literature report, and does not necessarily reflect the clinical interpretation of the Imperial College / Royal Brompton Cardiovascular Genetics laboratory.

Literature cited by the submitters: PubMed 12808265 (cited by Labcorp Genetics (formerly Invitae), Labcorp and Cardiovascular Biomedical Research Unit, Royal Brompton & Harefield NHS Foundation Trust); PubMed 15500450 (cited by Labcorp Genetics (formerly Invitae), Labcorp and Cardiovascular Biomedical Research Unit, Royal Brompton & Harefield NHS Foundation Trust); PubMed 19996378 (cited by Labcorp Genetics (formerly Invitae), Labcorp); PubMed 22354620 (cited by Labcorp Genetics (formerly Invitae), Labcorp); PubMed 32600061 (cited by Labcorp Genetics (formerly Invitae), Labcorp); PubMed 33309763 (cited by Labcorp Genetics (formerly Invitae), Labcorp); PubMed 21451124 (cited by Labcorp Genetics (formerly Invitae), Labcorp); PubMed 15234419 (cited by Cardiovascular Biomedical Research Unit, Royal Brompton & Harefield NHS Foundation Trust); PubMed 17470695 (cited by Cardiovascular Biomedical Research Unit, Royal Brompton & Harefield NHS Foundation Trust); PubMed 22581653 (cited by Cardiovascular Biomedical Research Unit, Royal Brompton & Harefield NHS Foundation Trust).